The following is an entry in ClinVar:

ClinVar aggregate classification (germline): Uncertain significance (1 of 4 stars; one submission).

Conditions:
Neurodevelopmental disorder. Identifiers: MedGen C1535926, MeSH D065886, MONDO:0700092.

Submission:

Victorian Clinical Genetics Services, Murdoch Childrens Research Institute
Classification: Uncertain significance for Neurodevelopmental disorder. Last evaluated: 2025-06-11. Review status: criteria provided, single submitter. Criteria: ACMG Guidelines, 2015. Collection method: clinical testing. Allele origin: germline. Affected: yes.
Comment: This variant is classified as VUS-3B. Evidence in support of pathogenic classification: Variant is predicted to cause nonsense-mediated decay (NMD) and loss of protein (premature termination codon is located at least 54 nucleotides upstream of the final exon-exon junction); Variant is absent from gnomAD (v2, v3 and v4). Additional information: This variant is heterozygous; This gene is associated with autosomal dominant disease; This variant has no previous evidence of pathogenicity; No published segregation evidence has been identified for this variant; No published functional evidence has been identified for this variant; No comparable NMD-predicted variants have previous evidence for pathogenicity; The mechanism of disease for this gene is not clearly established. However, loss of function is a suggested mechanism, however dominant negative has not been excluded (PMID: 36511780).

Literature cited by the submitters: PubMed 36511780.

NM_001014809.3(CRMP1):c.1577G>A (p.Trp526Ter)

Gene: CRMP1 (collapsin response mediator protein 1; minus strand). Cytogenetic location: 4p16.2.
Variant type: single nucleotide variant.
Coding change: c.1577G>A on transcript NM_001014809.3 (MANE Select); coding-DNA position 1577, G replaced by A.
Protein change: p.Trp526Ter; replaces tryptophan 526 with a stop codon.
Molecular consequence: nonsense.
Genome position (GRCh38, 1-based): chr4:5,835,961, C>T on the plus strand (G>A on the coding strand, the complement: CRMP1 is on the minus strand). VCF-style: chr4-5835961-C-T. GRCh37 (hg19) VCF-style: chr4-5837688-C-T.
Other names: c.1229G>A, p.Trp410Ter (NM_001288661.2); c.1217G>A, p.Trp406Ter (NM_001288662.1); c.1235G>A, p.Trp412Ter (NM_001313.5); short protein forms W406*, W410*, W412*, W526*.
Identifiers: ClinVar variation 4531941 (VCV004531941.1).